The following is an entry in ClinVar:

NM_000301.5(PLG):c.1112C>T (p.Thr371Ile)

Gene: PLG (plasminogen; plus strand). Cytogenetic location: 6q26.
Variant type: single nucleotide variant.
Coding change: c.1112C>T on transcript NM_000301.5 (MANE Select); coding-DNA position 1112, C replaced by T.
Protein change: p.Thr371Ile; replaces threonine 371 with isoleucine.
Molecular consequence: missense variant.
Genome position (GRCh38, 1-based): chr6:160,722,423, C>T. VCF-style: chr6-160722423-C-T. GRCh37 (hg19) VCF-style: chr6-161143455-C-T.
Other names: short protein forms T371I.
Identifiers: ClinVar variation 2136488 (VCV002136488.4), dbSNP rs780940385, ClinGen allele CA4087684.

ClinVar aggregate classification (germline): Uncertain significance (1 of 4 stars; one submission).

gnomAD v4.1: 19 of 1,611,736 alleles (0.0012%); highest among the groups gnomAD compares: Middle Eastern, 0.049%; no homozygotes.

Submission:

Labcorp Genetics (formerly Invitae), Labcorp
Classification: Uncertain significance. Last evaluated: 2026-02-01. Review status: criteria provided, single submitter. Criteria: Invitae Variant Classification Sherloc (09022015). Collection method: clinical testing. Allele origin: germline.
Comment: This sequence change replaces threonine, which is neutral and polar, with isoleucine, which is neutral and non-polar, at codon 371 of the PLG protein (p.Thr371Ile). This variant is present in population databases (rs780940385, gnomAD 0.005%). This missense change has been observed in individual(s) with autosomal recessive plasminogen deficiency, type I (PMID: 16849641). In at least one individual the data is consistent with being in trans (on the opposite chromosome) from a pathogenic variant. This variant is also known as p.Thr352Ile. ClinVar contains an entry for this variant (Variation ID: 2136488). Invitae Evidence Modeling of protein sequence and biophysical properties (such as structural, functional, and spatial information, amino acid conservation, physicochemical variation, residue mobility, and thermodynamic stability) indicates that this missense variant is not expected to disrupt PLG protein function with a negative predictive value of 80%. In summary, the available evidence is currently insufficient to determine the role of this variant in disease. Therefore, it has been classified as a Variant of Uncertain Significance.

Literature cited by the submitters: PubMed 16849641.